The following is an entry in ClinVar:

NM_004456.5(EZH2):c.557ATG[3] (p.Asp189del)

Gene: EZH2 (enhancer of zeste 2 polycomb repressive complex 2 subunit; minus strand). Cytogenetic location: 7q36.1.
Variant type: Microsatellite.
Coding change: c.557ATG[3] on transcript NM_004456.5 (MANE Select); three copies in a row of the 3-base unit ATG starting at c.557; the reference has four copies in a row; one copy, 3 bases deleted; also written c.566_568del.
Protein change: p.Asp189del; deletes aspartic acid 189.
Molecular consequence: inframe deletion.
Genome position (GRCh38, 1-based): chr7:148,828,797-148,828,799, CAT deleted on the plus strand (ATG on the coding strand, the reverse complement: EZH2 is on the minus strand); deleting any 3 consecutive bases within chr7:148,828,797-148,828,809 gives the same sequence; the position shown is the placement nearest the transcript's 3' end. VCF-style (leftmost placement, unchanged base first): chr7-148828796-CCAT-C. GRCh37 (hg19) VCF-style: chr7-148525888-CCAT-C.
Other names: c.557ATG[3], p.Asp189del (NM_001203247.2); c.530ATG[3], p.Asp180del (NM_001203248.2, NM_001203249.2); c.440ATG[3], p.Asp150del (NM_152998.3); c.566_568del (NM_004456.5); short protein forms D189del, D180del, D150del.
Identifiers: ClinVar variation 134223 (VCV000134223.8), dbSNP rs587778303, ClinGen allele CA159192.

ClinVar aggregate classification (germline): Uncertain significance. Review status: criteria provided, multiple submitters, no conflicts (2 of 4 stars). 3 submissions from 3 submitters: Uncertain significance (2). 1 of the submissions does not count toward it. Last evaluated 2025-01-06.

Conditions:
Weaver syndrome (WVS). Also called: Weaver Smith syndrome; Overgrowth syndrome with accelerated skeletal maturation, unusual facies, and camptodactyly. Identifiers: Orphanet 3447, MedGen C0265210, MONDO:0010193, OMIM 277590.

Submissions (3):

Labcorp Genetics (formerly Invitae), Labcorp
Classification: Uncertain significance for Weaver syndrome. Last evaluated: 2025-01-06. Review status: criteria provided, single submitter. Criteria: Invitae Variant Classification Sherloc (09022015). Collection method: clinical testing. Allele origin: germline.
Comment: This variant, c.566_568del, results in the deletion of 1 amino acid(s) of the EZH2 protein (p.Asp189del), but otherwise preserves the integrity of the reading frame. The frequency data for this variant in the population databases is considered unreliable, as metrics indicate poor data quality at this position in the gnomAD database. This variant has not been reported in the literature in individuals affected with EZH2-related conditions. Experimental studies and prediction algorithms are not available or were not evaluated, and the functional significance of this variant is currently unknown. In summary, the available evidence is currently insufficient to determine the role of this variant in disease. Therefore, it has been classified as a Variant of Uncertain Significance.

Dasa
Classification: Uncertain significance. Last evaluated: 2025-01-03. Review status: criteria provided, single submitter. Criteria: DASA Assertion Criteria. Collection method: clinical testing. Allele origin: germline.
Comment: NM_004456.5(EZH2):c.566_568del (p.Asp189del) is an in-frame deletion predicted to remove aspartic acid at protein position 189 without shifting the reading frame. This variant is rare in population databases. The currently available literature and clinical evidence are not sufficient to establish a definitive association between this variant and the reported condition. Therefore, this variant is classified as a variant of uncertain significance.

ITMI
No classification provided. Condition: AllHighlyPenetrant. Last evaluated: 2013-09-19. Review status: no classification provided. Collection method: reference population. Allele origin: germline. Not counted in ClinVar's aggregate classification.
Comment: Please see associated publication for description of ethnicities

Literature cited by the submitters: PubMed 24728327 (cited by ITMI).